The following is an entry in ClinVar:

NM_145331.3(MAP3K7):c.1102T>C (p.Leu368=)

Gene: MAP3K7 (mitogen-activated protein kinase kinase kinase 7; minus strand). Cytogenetic location: 6q15.
Variant type: single nucleotide variant.
Coding change: c.1102T>C on transcript NM_145331.3 (MANE Select); coding-DNA position 1102, T replaced by C.
Protein change: p.Leu368=; no amino-acid change (leucine 368 retained).
Molecular consequence: synonymous variant.
Genome position (GRCh38, 1-based): chr6:90,547,366, A>G on the plus strand (T>C on the coding strand, the complement: MAP3K7 is on the minus strand). VCF-style: chr6-90547366-A-G. GRCh37 (hg19) VCF-style: chr6-91257085-A-G.
Other names: c.1102T>C, p.Leu368= (NM_003188.4, NM_145332.3, NM_145333.3).
Identifiers: ClinVar variation 3389302 (VCV003389302.14).

ClinVar aggregate classification (germline): Likely benign (1 of 4 stars; one submission).

gnomAD v4.1: 18 of 1,611,684 alleles (0.0011%); highest among the groups gnomAD compares: African/African-American, 0.0013%; no homozygotes.

Submission:

CeGaT Center for Human Genetics Tuebingen
Classification: Likely benign. Last evaluated: 2024-09-01. Review status: criteria provided, single submitter. Criteria: CeGaT Center For Human Genetics Tuebingen Variant Classification Criteria Version 2. Collection method: clinical testing. Allele origin: germline. Affected: yes. Observed: 1 variant allele.
Comment: MAP3K7: BP4, BP7